The following is an entry in ClinVar:

ClinVar aggregate classification (germline): Uncertain significance (1 of 4 stars; one submission).

Conditions:
Charcot-Marie-Tooth disease type 2. Also called: Charcot-Marie-Tooth type 2. Identifiers: Orphanet 64746, MedGen C0270914, MONDO:0018993.

Allele frequency attached by ClinVar (database versions not stated): ExAC 0.00001.
gnomAD v4.1: 1 of 1,614,158 alleles (0.000062%); highest among the groups gnomAD compares: Non-Finnish European, 0.000085%; no homozygotes.

Submission:

Labcorp Genetics (formerly Invitae), Labcorp
Classification: Uncertain significance for Charcot-Marie-Tooth disease type 2. Last evaluated: 2023-11-07. Review status: criteria provided, single submitter. Criteria: Invitae Variant Classification Sherloc (09022015). Collection method: clinical testing. Allele origin: germline.
Comment: This sequence change replaces histidine, which is basic and polar, with arginine, which is basic and polar, at codon 23 of the AARS protein (p.His23Arg). This variant is present in population databases (rs778574466, gnomAD 0.0009%). This variant has not been reported in the literature in individuals affected with AARS-related conditions. Advanced modeling of protein sequence and biophysical properties (such as structural, functional, and spatial information, amino acid conservation, physicochemical variation, residue mobility, and thermodynamic stability) performed at Invitae indicates that this missense variant is expected to disrupt AARS protein function with a positive predictive value of 95%. In summary, the available evidence is currently insufficient to determine the role of this variant in disease. Therefore, it has been classified as a Variant of Uncertain Significance.

NM_001605.3(AARS1):c.68A>G (p.His23Arg)

Gene: AARS1 (alanyl-tRNA synthetase 1; minus strand). Cytogenetic location: 16q22.1.
Variant type: single nucleotide variant.
Coding change: c.68A>G on transcript NM_001605.3 (MANE Select); coding-DNA position 68, A replaced by G.
Protein change: p.His23Arg; replaces histidine 23 with arginine.
Molecular consequence: missense variant.
Genome position (GRCh38, 1-based): chr16:70,282,696, T>C on the plus strand (A>G on the coding strand, the complement: AARS1 is on the minus strand). VCF-style: chr16-70282696-T-C. GRCh37 (hg19) VCF-style: chr16-70316599-T-C.
Other names: short protein forms H23R.
Identifiers: ClinVar variation 2693994 (VCV002693994.3), dbSNP rs778574466, ClinGen allele CA8141235.